The following is an entry in ClinVar:

ClinVar aggregate classification (germline): Conflicting classifications of pathogenicity. Review status: criteria provided, conflicting classifications (1 of 4 stars). 5 submissions from 5 submitters: Uncertain significance (4); Likely benign (1). Last evaluated 2026-02-06.

Conditions:
Familial thoracic aortic aneurysm and aortic dissection (TAAD). Also called: Thoracic aortic aneurysms and dissections. Identifiers: Orphanet 91387, MedGen C4707243, MONDO:0019625.
Ehlers-Danlos syndrome, type 4 (EDSVASC). Also called: Ehlers-Danlos syndrome vascular type; Ehlers Danlos syndrome, ecchymotic type; Ehlers Danlos syndrome, arterial type; Ehlers Danlos syndrome, Sack-Barabas type; Ehlers-Danlos Syndrome Type IV. Identifiers: Orphanet 286, MedGen C0268338, MONDO:0017314, OMIM 130050.

Allele frequency attached by ClinVar (database versions not stated): ExAC 0.00001; gnomAD 0.00001; gnomAD exomes 0.00001; TOPMed 0.00001.
gnomAD v4.1: 12 of 1,613,892 alleles (0.00074%); highest among the groups gnomAD compares: Non-Finnish European, 0.001%; no homozygotes.

Submissions (5):

Dasa
Classification: Uncertain significance. Last evaluated: 2026-02-06. Review status: criteria provided, single submitter. Criteria: DASA Assertion Criteria. Collection method: clinical testing. Allele origin: germline.
Comment: NM_000090.4(COL3A1):c.1813C>G (p.Gln605Glu) is a missense variant that results in the substitution of glutamine with glutamic acid. This variant is rare in population databases. Computational prediction algorithms are consistent with a benign effect. The currently available literature and clinical evidence are not sufficient to establish a definitive association between this variant and the reported condition. Therefore, this variant is classified as a variant of uncertain significance.

Color Diagnostics, LLC DBA Color Health
Classification: Likely benign for Familial thoracic aortic aneurysm and aortic dissection. Last evaluated: 2025-07-25. Review status: criteria provided, single submitter. Criteria: ACMG Guidelines, 2015. Collection method: clinical testing. Allele origin: germline.

Labcorp Genetics (formerly Invitae), Labcorp
Classification: Uncertain significance for Ehlers-Danlos syndrome, type 4. Last evaluated: 2024-10-21. Review status: criteria provided, single submitter. Criteria: Invitae Variant Classification Sherloc (09022015). Collection method: clinical testing. Allele origin: germline.
Comment: This sequence change replaces glutamine, which is neutral and polar, with glutamic acid, which is acidic and polar, at codon 605 of the COL3A1 protein (p.Gln605Glu). This variant is present in population databases (rs764299277, gnomAD 0.003%). This variant has not been reported in the literature in individuals affected with COL3A1-related conditions. ClinVar contains an entry for this variant (Variation ID: 264434). Experimental studies and prediction algorithms are not available or were not evaluated, and the functional significance of this variant is currently unknown. In summary, the available evidence is currently insufficient to determine the role of this variant in disease. Therefore, it has been classified as a Variant of Uncertain Significance.

All of Us Research Program, National Institutes of Health
Classification: Uncertain significance for Ehlers-Danlos syndrome, type 4. Last evaluated: 2024-09-23. Review status: criteria provided, single submitter. Criteria: ACMG Guidelines, 2015. Collection method: clinical testing. Allele origin: germline. Inheritance: Autosomal dominant inheritance. Observed: 1 variant allele, 1 heterozygote.
Comment: This missense variant replaces glutamine with glutamic acid at codon 605 of the COL3A1 protein. Computational prediction suggests that this variant may not impact protein structure and function (internally defined REVEL score threshold <= 0.5, PMID: 27666373). To our knowledge, functional studies have not been reported for this variant. This variant has not been reported in individuals affected with cardiovascular disorders in the literature. This variant has been identified in 3/251424 chromosomes in the general population by the Genome Aggregation Database (gnomAD). The available evidence is insufficient to determine the role of this variant in disease conclusively. Therefore, this variant is classified as a Variant of Uncertain Significance.

This study involves interpretation of variants in research participants for the purpose of population health screening. Participant phenotype was not available at the time of variant classification. Additional details can be found in publication PMID: 35346344, PMCID: PMC8962531

Ambry Genetics
Classification: Uncertain significance for Familial thoracic aortic aneurysm and aortic dissection. Last evaluated: 2015-10-03. Review status: criteria provided, single submitter. Criteria: Ambry Variant Classification Scheme 2023. Collection method: clinical testing. Allele origin: germline.
Comment: The p.Q605E variant (also known as c.1813C>G), located in coding exon 25 of the COL3A1 gene, results from a C to G substitution at nucleotide position 1813. The glutamine at codon 605 is replaced by glutamic acid, an amino acid with highly similar properties. This variant was not reported in population based cohorts in the following databases: Database of Single Nucleotide Polymorphisms (dbSNP), NHLBI Exome Sequencing Project (ESP), and 1000 Genomes Project. In the ESP, this variant was not observed in 6503 samples (13006 alleles) with coverage at this position. This amino acid position is poorly conserved in available vertebrate species. In addition, this alteration is predicted to be tolerated by in silico analysis. Since supporting evidence is limited at this time, the clinical significance of this variant remains unclear.

NM_000090.4(COL3A1):c.1813C>G (p.Gln605Glu)

Gene: COL3A1 (collagen type III alpha 1 chain; plus strand). Cytogenetic location: 2q32.2.
Variant type: single nucleotide variant.
Coding change: c.1813C>G on transcript NM_000090.4 (MANE Select); coding-DNA position 1813, C replaced by G.
Protein change: p.Gln605Glu; replaces glutamine 605 with glutamic acid.
Molecular consequence: missense variant.
Genome position (GRCh38, 1-based): chr2:188,997,216, C>G. VCF-style: chr2-188997216-C-G. GRCh37 (hg19) VCF-style: chr2-189861942-C-G.
Other names: short protein forms Q605E.
Identifiers: ClinVar variation 264434 (VCV000264434.21), dbSNP rs764299277, ClinGen allele CA074661.